The following is an entry in ClinVar:

ClinVar aggregate classification (germline): Uncertain significance (1 of 4 stars; one submission).

Conditions:
LEPR-related disorder. Also called: LEPR-related disorders; LEPR-related condition.

gnomAD v4.1: 1 of 1,613,434 alleles (0.000062%); highest among the groups gnomAD compares: Non-Finnish European, 0.000085%; no homozygotes.

Submission:

PreventionGenetics, part of Exact Sciences
Classification: Uncertain significance for LEPR-related condition. Last evaluated: 2026-01-29. Review status: criteria provided, single submitter. Criteria: ACMG Guidelines, 2015. Collection method: clinical testing. Allele origin: germline.
Comment: The LEPR c.2526A>G variant is not predicted to result in an amino acid change (p.=). To our knowledge, this variant has not been reported in the literature or in a large population database (gnomAD), indicating this variant is rare. This variant is predicted to alter splicing based on available splicing prediction programs (SpliceAI, Jaganathan et al. 2019. PubMed ID: 30661751). However, the use of computer prediction programs is not equivalent to functional evidence. At this time, the clinical significance of this variant is uncertain due to the absence of conclusive functional and genetic evidence.

NM_002303.6(LEPR):c.2526A>G (p.Leu842=)

Gene: LEPR (leptin receptor; plus strand). Cytogenetic location: 1p31.3.
Variant type: single nucleotide variant.
Coding change: c.2526A>G on transcript NM_002303.6 (MANE Select); coding-DNA position 2526, A replaced by G.
Protein change: p.Leu842=; no amino-acid change (leucine 842 retained).
Molecular consequence: synonymous variant.
Genome position (GRCh38, 1-based): chr1:65,621,387, A>G. VCF-style: chr1-65621387-A-G. GRCh37 (hg19) VCF-style: chr1-66087070-A-G.
Other names: c.2526A>G, p.Leu842= (NM_001003679.3, NM_001003680.3, NM_001198687.2 and 2 more transcripts).
Identifiers: ClinVar variation 4981383 (VCV004981383.1).